The following is an entry in ClinVar:

ClinVar aggregate classification (germline): Uncertain significance. Review status: criteria provided, multiple submitters, no conflicts (2 of 4 stars). 6 submissions from 6 submitters: Uncertain significance (5). 1 of the submissions does not count toward it. Last evaluated 2025-05-13.

Conditions:
Familial cancer of breast. Also called: Hereditary breast cancer; hereditary breast carcinoma; BREAST CANCER, FAMILIAL. Identifiers: Orphanet 227535, MedGen C0346153, MONDO:0016419, OMIM 114480. Disease mechanism: loss of function.
Hereditary cancer-predisposing syndrome. Also called: Hereditary neoplastic syndrome; Neoplastic Syndromes, Hereditary; Tumor predisposition; Hereditary Cancer Syndrome. Identifiers: Orphanet 140162, MedGen C0027672, MeSH D009386, MONDO:0015356.
Fanconi anemia complementation group J. Also called: BRIP1-Related Fanconi Anemia. Identifiers: Orphanet 84, MedGen C1836860, MONDO:0012187, OMIM 609054.
Ovarian cancer. Also called: OVARIAN CANCER, SOMATIC. Identifiers: Orphanet 213500, MedGen C1140680, MONDO:0008170, OMIM 167000.
Familial ovarian cancer. Identifiers: MedGen C5679802, MONDO:0016248.

Allele frequency attached by ClinVar (database versions not stated): TOPMed below 0.00001; gnomAD 0.00001.
gnomAD v4.1: 1 of 1,613,124 alleles (0.000062%); highest among the groups gnomAD compares: African/African-American, 0.0013%; no homozygotes.

Submissions (6):

Labcorp Genetics (formerly Invitae), Labcorp
Classification: Uncertain significance for Familial cancer of breast; Fanconi anemia complementation group J. Last evaluated: 2025-05-13. Review status: criteria provided, single submitter. Criteria: Invitae Variant Classification Sherloc (09022015). Collection method: clinical testing. Allele origin: germline.
Comment: This sequence change replaces valine, which is neutral and non-polar, with methionine, which is neutral and non-polar, at codon 441 of the BRIP1 protein (p.Val441Met). This variant is not present in population databases (gnomAD no frequency). This variant has not been reported in the literature in individuals affected with BRIP1-related conditions. ClinVar contains an entry for this variant (Variation ID: 407878). Invitae Evidence Modeling of protein sequence and biophysical properties (such as structural, functional, and spatial information, amino acid conservation, physicochemical variation, residue mobility, and thermodynamic stability) indicates that this missense variant is not expected to disrupt BRIP1 protein function with a negative predictive value of 95%. In summary, the available evidence is currently insufficient to determine the role of this variant in disease. Therefore, it has been classified as a Variant of Uncertain Significance.

Ambry Genetics
Classification: Uncertain significance for Hereditary cancer-predisposing syndrome. Last evaluated: 2025-05-05. Review status: criteria provided, single submitter. Criteria: Ambry Variant Classification Scheme 2023. Collection method: clinical testing. Allele origin: germline.
Comment: The p.V441M variant (also known as c.1321G>A), located in coding exon 8 of the BRIP1 gene, results from a G to A substitution at nucleotide position 1321. The valine at codon 441 is replaced by methionine, an amino acid with highly similar properties. This amino acid position is well conserved in available vertebrate species. In addition, this alteration is predicted to be tolerated by in silico analysis. Since supporting evidence is limited at this time, the clinical significance of this alteration remains unclear.

Molecular Pathology, Peter Maccallum Cancer Centre
Classification: Uncertain significance for Familial ovarian cancer. Last evaluated: 2025-05-05. Review status: criteria provided, single submitter. Criteria: ACMG Guidelines, 2015. Collection method: clinical testing. Allele origin: germline. Inheritance: Autosomal dominant inheritance.

Color Diagnostics, LLC DBA Color Health
Classification: Uncertain significance for Hereditary cancer-predisposing syndrome. Last evaluated: 2024-03-06. Review status: criteria provided, single submitter. Criteria: ACMG Guidelines, 2015. Collection method: clinical testing. Allele origin: germline.
Comment: This missense variant replaces valine with methionine at codon 441 of the BRIP1 protein. Computational prediction suggests that this variant may not impact protein structure and function (internally defined REVEL score threshold <= 0.5, PMID: 27666373). To our knowledge, functional studies have not been reported for this variant. This variant has not been reported in individuals affected with hereditary cancer in the literature. This variant has not been identified in the general population by the Genome Aggregation Database (gnomAD). The available evidence is insufficient to determine the role of this variant in disease conclusively. Therefore, this variant is classified as a Variant of Uncertain Significance.

Myriad Genetics, Inc.
Classification: Uncertain significance for Familial cancer of breast. Last evaluated: 2023-02-27. Review status: criteria provided, single submitter. Criteria: Myriad Autosomal Dominant, Autosomal Recessive and X-Linked Classification Criteria (2023). Collection method: clinical testing. Allele origin: unknown.
Comment: This variant is classified as a variant of uncertain significance as there is insufficient evidence to determine its impact on protein function and/or cancer risk.

Counsyl
Classification: Uncertain significance for Fanconi anemia complementation group J; Ovarian cancer. Last evaluated: 2017-12-11. Review status: no assertion criteria provided. Collection method: clinical testing. Allele origin: unknown. Not counted in ClinVar's aggregate classification.

NM_032043.3(BRIP1):c.1321G>A (p.Val441Met)

Gene: BRIP1 (BRCA1 interacting DNA helicase 1; minus strand). Cytogenetic location: 17q23.2.
Variant type: single nucleotide variant.
Coding change: c.1321G>A on transcript NM_032043.3 (MANE Select); coding-DNA position 1321, G replaced by A.
Protein change: p.Val441Met; replaces valine 441 with methionine.
Molecular consequence: missense variant.
Genome position (GRCh38, 1-based): chr17:61,799,119, C>T on the plus strand (G>A on the coding strand, the complement: BRIP1 is on the minus strand). VCF-style: chr17-61799119-C-T. GRCh37 (hg19) VCF-style: chr17-59876480-C-T.
Other names: short protein forms V441M.
Identifiers: ClinVar variation 407878 (VCV000407878.19), dbSNP rs1060501782, ClinGen allele CA16615502.
Genomic context (GRCh38, chr17:61,799,119, plus strand): 5'-ATAAAGGCAGCACAAATACACTAATAGACAAATCTTCTTACTTAATGAGGCTACAGCACA[C>T]AGCTCGTAGGGGTTCATGATCTTTCTTCCTTATATTATTGTTGACCATACTATCTAGTTC-3'
Protein context (NP_114432.2, residues 431-451): RKKDHEPLRA[Val441Met]CCSLINWLEA